The following is an entry in ClinVar:

NM_016333.4(SRRM2):c.5623C>T (p.Arg1875Ter)

Gene: SRRM2 (serine/arginine repetitive matrix 2; plus strand). Cytogenetic location: 16p13.3.
Variant type: single nucleotide variant.
Coding change: c.5623C>T on transcript NM_016333.4 (MANE Select); coding-DNA position 5623, C replaced by T.
Protein change: p.Arg1875Ter; replaces arginine 1875 with a stop codon.
Molecular consequence: nonsense.
Genome position (GRCh38, 1-based): chr16:2,766,151, C>T. VCF-style: chr16-2766151-C-T. GRCh37 (hg19) VCF-style: chr16-2816152-C-T.
Other names: short protein forms R1875*.
Identifiers: ClinVar variation 1804344 (VCV001804344.3), dbSNP rs2505612078, ClinGen allele CA394423851.

ClinVar aggregate classification (germline): Pathogenic/Likely pathogenic. Review status: criteria provided, multiple submitters, no conflicts (2 of 4 stars). 2 submissions from 2 submitters: Pathogenic (1); Likely pathogenic (1). Last evaluated 2026-01-21.

Conditions:
Intellectual developmental disorder, autosomal dominant 72 (MRD72). Identifiers: Orphanet 652487, MedGen C5830612, MONDO:0957397, OMIM 620439.

Submissions (2):

3billion
Classification: Likely pathogenic for Intellectual developmental disorder, autosomal dominant 72. Last evaluated: 2026-01-21. Review status: criteria provided, single submitter. Criteria: ACMG Guidelines, 2015. Collection method: clinical testing. Allele origin: germline. Affected: yes.
Comment: The variant is not observed in the gnomAD v4.1.0 dataset. Predicted Consequence/Location: Stop-gained (nonsense): predicted to result in a loss or disruption of normal protein function through nonsense-mediated decay (NMD) or protein truncation. Multiple pathogenic variants are reported downstream of the variant. The variant has been reported as of uncertain significance (ClinVar ID: VCV001804344). Therefore, this variant is classified as Likely pathogenic according to the recommendation of ACMG/AMP guideline.

GeneDx
Classification: Pathogenic. Last evaluated: 2024-02-07. Review status: criteria provided, single submitter. Criteria: GeneDx Variant Classification Process June 2021. Collection method: clinical testing. Allele origin: germline.
Comment: Nonsense variant predicted to result in protein truncation or nonsense mediated decay in a gene for which loss of function is a known mechanism of disease; Not observed at significant frequency in large population cohorts (gnomAD); Has not been previously published as pathogenic or benign to our knowledge